The following is an entry in ClinVar:

ClinVar aggregate classification (germline): Uncertain significance (1 of 4 stars; one submission).

Conditions:
Congenital myopathy with internal nuclei and atypical cores. Also called: Myopathy, centronuclear, 4. Identifiers: Orphanet 319160, MedGen C4707232, MONDO:0013890, OMIM 614807.

Allele frequency attached by ClinVar (database versions not stated): ExAC 0.00001; gnomAD exomes 0.00001 and 0.00002.

Submission:

Labcorp Genetics (formerly Invitae), Labcorp
Classification: Uncertain significance for Congenital myopathy with internal nuclei and atypical cores. Last evaluated: 2022-03-18. Review status: criteria provided, single submitter. Criteria: Invitae Variant Classification Sherloc (09022015). Collection method: clinical testing. Allele origin: germline.
Comment: This sequence change replaces threonine, which is neutral and polar, with isoleucine, which is neutral and non-polar, at codon 399 of the CCDC78 protein (p.Thr399Ile). This variant is present in population databases (rs775067488, gnomAD 0.02%). This variant has not been reported in the literature in individuals affected with CCDC78-related conditions. ClinVar contains an entry for this variant (Variation ID: 1044937). Algorithms developed to predict the effect of missense changes on protein structure and function are either unavailable or do not agree on the potential impact of this missense change (SIFT: "Deleterious"; PolyPhen-2: "Probably Damaging"; Align-GVGD: "Class C0"). In summary, the available evidence is currently insufficient to determine the role of this variant in disease. Therefore, it has been classified as a Variant of Uncertain Significance.

NM_001378030.1(CCDC78):c.1196C>T (p.Thr399Ile)

Gene: CCDC78 (coiled-coil domain containing 78; minus strand). Cytogenetic location: 16p13.3.
Variant type: single nucleotide variant.
Coding change: c.1196C>T on transcript NM_001378030.1 (MANE Select); coding-DNA position 1196, C replaced by T.
Protein change: p.Thr399Ile; replaces threonine 399 with isoleucine.
Molecular consequence: missense variant. On other transcripts: non-coding transcript variant (5).
Genome position (GRCh38, 1-based): chr16:723,099, G>A on the plus strand (C>T on the coding strand, the complement: CCDC78 is on the minus strand). VCF-style: chr16-723099-G-A. GRCh37 (hg19) VCF-style: chr16-773099-G-A.
Other names: c.1196C>T, p.Thr399Ile (NM_001031737.3); c.1016C>T, p.Thr339Ile (NM_001378031.1); c.629C>T, p.Thr210Ile (NM_001378033.1); short protein forms T210I, T399I, T339I.
Identifiers: ClinVar variation 1044937 (VCV001044937.8), dbSNP rs775067488, ClinGen allele CA7789140.
Genomic context (GRCh38, chr16:723,099, plus strand): 5'-AGCCATGAGCTGGGGCATGGCGTGAGGATGGGCCTGGGCCAGCCCTTGCCTCCTACCTGG[G>A]TGCTGCGGGAGAAGTCCCGGAGCTTCTGGTGGATCTGGGCCCAGGATGCAGCGTCCAGGC-3'
Protein context (NP_001364959.1, residues 389-409): HQKLRDFSRS[Thr399Ile]QAELERERAQ